The following is an entry in ClinVar:

NM_144688.5(KASH5):c.1383C>A (p.Leu461=)

Gene: KASH5 (KASH domain containing 5; plus strand). Cytogenetic location: 19q13.33.
Variant type: single nucleotide variant.
Coding change: c.1383C>A on transcript NM_144688.5 (MANE Select); coding-DNA position 1383, C replaced by A.
Protein change: p.Leu461=; no amino-acid change (leucine 461 retained).
Molecular consequence: synonymous variant.
Genome position (GRCh38, 1-based): chr19:49,417,023, C>A. VCF-style: chr19-49417023-C-A. GRCh37 (hg19) VCF-style: chr19-49920280-C-A.
Identifiers: ClinVar variation 2650239 (VCV002650239.24), dbSNP rs767858463, ClinGen allele CA9572459.

ClinVar aggregate classification (germline): Likely benign (1 of 4 stars; one submission).

Allele frequency attached by ClinVar (database versions not stated): gnomAD 0.00001; TOPMed 0.00001; ExAC 0.00003.
gnomAD v4.1: 22 of 1,588,426 alleles (0.0014%); highest among the groups gnomAD compares: Middle Eastern, 0.062%; no homozygotes.

Submission:

CeGaT Center for Human Genetics Tuebingen
Classification: Likely benign. Last evaluated: 2022-07-01. Review status: criteria provided, single submitter. Criteria: CeGaT Center For Human Genetics Tuebingen Variant Classification Criteria Version 2. Collection method: clinical testing. Allele origin: germline. Affected: yes. Observed: 1 variant allele.
Comment: KASH5: BP4, BP7